The following is an entry in ClinVar:

ClinVar aggregate classification (germline): Uncertain significance (0 of 4 stars; one submission).

Conditions:
HTR2C-related disorder. Also called: HTR2C-related condition.

Submission:

PreventionGenetics, part of Exact Sciences
Classification: Uncertain significance for HTR2C-related condition. Last evaluated: 2023-10-25. Review status: no assertion criteria provided. Collection method: clinical testing. Allele origin: germline.
Comment: The HTR2C c.862C>T variant is predicted to result in premature protein termination (p.Arg288*). To our knowledge, this variant has not been reported in the literature or in a large population database, indicating this variant is rare. Only one protein-truncating variant has been reported in this gene to date (Human Gene Mutation Database). At this time, the clinical significance of this variant is uncertain due to the absence of conclusive functional and genetic evidence.

NM_000868.4(HTR2C):c.862C>T (p.Arg288Ter)

Genes: HTR2C (5-hydroxytryptamine receptor 2C; plus strand), LOC126863306 (MED14-independent group 3 enhancer GRCh37_chrX:114140926-114142125; plus strand). Cytogenetic location: Xq23.
Variant type: single nucleotide variant.
Coding change: c.862C>T on transcript NM_000868.4 (MANE Select); coding-DNA position 862, C replaced by T.
Protein change: p.Arg288Ter; replaces arginine 288 with a stop codon.
Molecular consequence: nonsense. On other transcripts: 3 prime UTR variant (1).
Genome position (GRCh38, 1-based): chrX:114,906,900, C>T. VCF-style: chrX-114906900-C-T. GRCh37 (hg19) VCF-style: chrX-114141463-C-T.
Other names: c.862C>T, p.Arg288Ter (NM_001256760.3); c.*20C>T (NM_001256761.3); short protein forms R288*.
Identifiers: ClinVar variation 3348348 (VCV003348348.1).